The following is an entry in ClinVar:

ClinVar aggregate classification (germline): Uncertain significance. Review status: criteria provided, multiple submitters, no conflicts (2 of 4 stars). 7 submissions from 7 submitters: Uncertain significance (7). Last evaluated 2025-03-17.

Conditions:
Inborn genetic diseases. Identifiers: MedGen C0950123, MeSH D030342.
Wilson disease (WND). Also called: Wilson's disease. Identifiers: Orphanet 905, MedGen C0019202, MONDO:0010200, OMIM 277900. Disease mechanism: loss of function.

Allele frequency attached by ClinVar (database versions not stated): ExAC 0.00002; gnomAD exomes 0.00002 and 0.00003; TOPMed 0.00003; gnomAD 0.00004.
gnomAD v4.1: 54 of 1,613,608 alleles (0.0033%); highest among the groups gnomAD compares: Non-Finnish European, 0.0042%; no homozygotes.

Submissions (7):

Color Diagnostics, LLC DBA Color Health
Classification: Uncertain significance for Wilson disease. Last evaluated: 2025-03-17. Review status: criteria provided, single submitter. Criteria: ACMG Guidelines, 2015. Collection method: clinical testing. Allele origin: germline.
Comment: This missense variant replaces alanine with valine at codon 1357 of the ATP7B protein. Computational prediction suggests that this variant may have deleterious impact on protein structure and function. To our knowledge, functional studies have not been reported for this variant. This variant has been reported in an individual affected with Wilson disease (PMID: 23551039). This variant has been identified in 8/277740 chromosomes in the general population by the Genome Aggregation Database (gnomAD). The available evidence is insufficient to determine the role of this variant in disease conclusively. Therefore, this variant is classified as a Variant of Uncertain Significance.

CeGaT Center for Human Genetics Tuebingen
Classification: Uncertain significance. Last evaluated: 2025-03-01. Review status: criteria provided, single submitter. Criteria: CeGaT Center For Human Genetics Tuebingen Variant Classification Criteria Version 2. Collection method: clinical testing. Allele origin: germline. Affected: yes. Observed: 1 variant allele.
Comment: ATP7B: PM2, PM3:Supporting

All of Us Research Program, National Institutes of Health
Classification: Uncertain significance for Wilson disease. Last evaluated: 2024-04-10. Review status: criteria provided, single submitter. Criteria: ACMG Guidelines, 2015. Collection method: clinical testing. Allele origin: germline. Inheritance: Autosomal recessive inheritance. Observed: 10 variant alleles, 10 heterozygotes.
Comment: This missense variant replaces alanine with valine at codon 1357 of the ATP7B protein. Computational prediction suggests that this variant may have deleterious impact on protein structure and function (internally defined REVEL score threshold >= 0.7, PMID: 27666373). To our knowledge, functional studies have not been reported for this variant. This variant has been reported in an individual affected with Wilson disease (PMID: 23551039). This variant has been identified in 8/277740 chromosomes in the general population by the Genome Aggregation Database (gnomAD). The available evidence is insufficient to determine the role of this variant in disease conclusively. Therefore, this variant is classified as a Variant of Uncertain Significance.

This study involves interpretation of variants in research participants for the purpose of population health screening. Participant phenotype was not available at the time of variant classification. Additional details can be found in publication PMID: 35346344, PMCID: PMC8962531

Women's Health and Genetics/Laboratory Corporation of America, LabCorp
Classification: Uncertain significance. Last evaluated: 2023-03-10. Review status: criteria provided, single submitter. Criteria: LabCorp Variant Classification Summary - May 2015. Collection method: clinical testing. Allele origin: germline.
Comment: Variant summary: ATP7B c.4070C>T (p.Ala1357Val) results in a non-conservative amino acid change in the encoded protein sequence. Three of five in-silico tools predict a damaging effect of the variant on protein function. The variant allele was found at a frequency of 2.4e-05 in 246344 control chromosomes (gnomAD). c.4070C>T has been reported in the literature in individuals affected with Wilson Disease (Aggarwal_2013). These data indicate that the variant may be associated with disease. To our knowledge, no experimental evidence demonstrating an impact on protein function has been reported. Three clinical diagnostic laboratories have submitted clinical-significance assessments for this variant to ClinVar after 2014. All laboratories classified the variant as uncertain significance. Based on the evidence outlined above, the variant was classified as VUS-possibly pathogenic.

Labcorp Genetics (formerly Invitae), Labcorp
Classification: Uncertain significance for Wilson disease. Last evaluated: 2022-10-25. Review status: criteria provided, single submitter. Criteria: Invitae Variant Classification Sherloc (09022015). Collection method: clinical testing. Allele origin: germline.
Comment: This sequence change replaces alanine, which is neutral and non-polar, with valine, which is neutral and non-polar, at codon 1357 of the ATP7B protein (p.Ala1357Val). The frequency data for this variant in the population databases is considered unreliable, as metrics indicate poor data quality at this position in the gnomAD database. This missense change has been observed in individual(s) with Wilson disease (PMID: 23551039). ClinVar contains an entry for this variant (Variation ID: 1345783). Advanced modeling of protein sequence and biophysical properties (such as structural, functional, and spatial information, amino acid conservation, physicochemical variation, residue mobility, and thermodynamic stability) performed at Invitae indicates that this missense variant is not expected to disrupt ATP7B protein function. This variant disrupts the p.Ala1357 amino acid residue in ATP7B. Other variant(s) that disrupt this residue have been observed in individuals with ATP7B-related conditions (PMID: 30702195), which suggests that this may be a clinically significant amino acid residue. In summary, the available evidence is currently insufficient to determine the role of this variant in disease. Therefore, it has been classified as a Variant of Uncertain Significance.

Fulgent Genetics
Classification: Uncertain significance for Wilson disease. Last evaluated: 2022-04-16. Review status: criteria provided, single submitter. Criteria: ACMG Guidelines, 2015. Collection method: clinical testing. Allele origin: unknown.

Ambry Genetics
Classification: Uncertain significance for Inborn genetic diseases. Last evaluated: 2022-02-28. Review status: criteria provided, single submitter. Criteria: Ambry Variant Classification Scheme 2023. Collection method: clinical testing. Allele origin: germline.

Literature cited by the submitters: PubMed 23551039 (cited by 4 submitters); PubMed 30702195 (cited by Labcorp Genetics (formerly Invitae), Labcorp).

NM_000053.4(ATP7B):c.4070C>T (p.Ala1357Val)

Gene: ATP7B (ATPase copper transporting beta; minus strand). Cytogenetic location: 13q14.3.
Variant type: single nucleotide variant.
Coding change: c.4070C>T on transcript NM_000053.4 (MANE Select); coding-DNA position 4070, C replaced by T.
Protein change: p.Ala1357Val; replaces alanine 1357 with valine.
Molecular consequence: missense variant.
Genome position (GRCh38, 1-based): chr13:51,935,647, G>A on the plus strand (C>T on the coding strand, the complement: ATP7B is on the minus strand). VCF-style: chr13-51935647-G-A. GRCh37 (hg19) VCF-style: chr13-52509783-G-A.
Other names: c.3449C>T, p.Ala1150Val (NM_001005918.3); c.3737C>T, p.Ala1246Val (NM_001243182.2); c.3836C>T, p.Ala1279Val (NM_001330578.2); c.3818C>T, p.Ala1273Val (NM_001330579.2); short protein forms A1246V, A1273V, A1279V, A1150V, A1357V.
Identifiers: ClinVar variation 1345783 (VCV001345783.16), dbSNP rs769949264, ClinGen allele CA6988497.